The following is an entry in ClinVar:

ClinVar aggregate classification (germline): Likely benign. Review status: criteria provided, multiple submitters, no conflicts (2 of 4 stars). 6 submissions from 6 submitters: Likely benign (6). Last evaluated 2026-05-01.

Conditions:
CREBBP-related disorder. Also called: CREBBP-related disorders; CREBBP-related condition.
Menke-Hennekam syndrome 1 (MKHK1). Identifiers: MedGen C5193034, MONDO:0020763, OMIM 618332.
Rubinstein-Taybi syndrome due to CREBBP mutations (RSTS1). Also called: BROAD THUMB-HALLUX SYNDROME; RUBINSTEIN SYNDROME; RUBINSTEIN-TAYBI SYNDROME 1, INCOMPLETE; Rubinstein-Taybi syndrome 1; BROAD THUMBS AND GREAT TOES, CHARACTERISTIC FACIES, AND IMPAIRED INTELLECTUAL DEVELOPMENT; CREBBP-Related Rubinstein-Taybi Syndrome. Identifiers: Orphanet 353277, Orphanet 783, MedGen C4551859, MONDO:0008393, OMIM 180849.
Rubinstein-Taybi syndrome (RSTS). Identifiers: Orphanet 783, MedGen C0035934, MONDO:0019188.

Allele frequency attached by ClinVar (database versions not stated): ExAC 0.00003; gnomAD exomes 0.00004; gnomAD 0.00006 and 0.00009; TOPMed 0.00008; ESP Exome Variant Server 0.00015.
gnomAD v4.1: 78 of 1,614,086 alleles (0.0048%); highest among the groups gnomAD compares: Middle Eastern, 0.016%; 1 homozygote.

Submissions (6):

CeGaT Center for Human Genetics Tuebingen
Classification: Likely benign. Last evaluated: 2026-05-01. Review status: criteria provided, single submitter. Criteria: CeGaT Center For Human Genetics Tuebingen Variant Classification Criteria Version 2. Collection method: clinical testing. Allele origin: germline. Affected: yes. Observed: 2 variant alleles.
Comment: CREBBP: BP4, BP7

PreventionGenetics, part of Exact Sciences
Classification: Likely benign for CREBBP-related condition. Last evaluated: 2025-11-12. Review status: criteria provided, single submitter. Criteria: ACMG Guidelines, 2015. Collection method: clinical testing. Allele origin: germline.
Comment: This variant is classified as likely benign based on ACMG/AMP sequence variant interpretation guidelines (Richards et al. 2015 PMID: 25741868, with internal and published modifications).

Labcorp Genetics (formerly Invitae), Labcorp
Classification: Likely benign for Rubinstein-Taybi syndrome. Last evaluated: 2025-02-24. Review status: criteria provided, single submitter. Criteria: Invitae Variant Classification Sherloc (09022015). Collection method: clinical testing. Allele origin: germline.

Women's Health and Genetics/Laboratory Corporation of America, LabCorp
Classification: Likely benign. Last evaluated: 2024-10-01. Review status: criteria provided, single submitter. Criteria: LabCorp Variant Classification Summary - May 2015. Collection method: clinical testing. Allele origin: germline.

Blueprint Genetics
Classification: Likely benign. Last evaluated: 2023-09-06. Review status: criteria provided, single submitter. Criteria: ACMG Guidelines, 2015. Collection method: clinical testing. Allele origin: germline.

Fulgent Genetics
Classification: Likely benign for Rubinstein-Taybi syndrome due to CREBBP mutations; Menke-Hennekam syndrome 1. Last evaluated: 2021-11-16. Review status: criteria provided, single submitter. Criteria: ACMG Guidelines, 2015. Collection method: clinical testing. Allele origin: unknown.

NM_004380.3(CREBBP):c.3204C>T (p.Asn1068=)

Gene: CREBBP (CREB binding lysine acetyltransferase; minus strand). Cytogenetic location: 16p13.3.
Variant type: single nucleotide variant.
Coding change: c.3204C>T on transcript NM_004380.3 (MANE Select); coding-DNA position 3204, C replaced by T.
Protein change: p.Asn1068=; no amino-acid change (asparagine 1068 retained).
Molecular consequence: synonymous variant.
Genome position (GRCh38, 1-based): chr16:3,767,766, G>A on the plus strand (C>T on the coding strand, the complement: CREBBP is on the minus strand). VCF-style: chr16-3767766-G-A. GRCh37 (hg19) VCF-style: chr16-3817767-G-A.
Other names: c.3204C>T (NM_004380.2); c.3090C>T, p.Asn1030= (NM_001079846.1).
Identifiers: ClinVar variation 1651821 (VCV001651821.36), dbSNP rs150189749, ClinGen allele CA7869912.